The following is an entry in ClinVar:

NM_001267550.2(TTN):c.40874C>T (p.Ala13625Val)

Gene: TTN (titin; minus strand). Cytogenetic location: 2q31.2.
Variant type: single nucleotide variant.
Coding change: c.40874C>T on transcript NM_001267550.2 (MANE Select); coding-DNA position 40874, C replaced by T.
Protein change: p.Ala13625Val; replaces alanine 13625 with valine.
Molecular consequence: missense variant.
Genome position (GRCh38, 1-based): chr2:178,639,701, G>A on the plus strand (C>T on the coding strand, the complement: TTN is on the minus strand). VCF-style: chr2-178639701-G-A. GRCh37 (hg19) VCF-style: chr2-179504428-G-A.
Other names: c.35951C>T, p.Ala11984Val (NM_001256850.1); c.13679C>T, p.Ala4560Val (NM_003319.4); c.33170C>T, p.Ala11057Val (NM_133378.4); c.14054C>T, p.Ala4685Val (NM_133432.3); c.14255C>T, p.Ala4752Val (NM_133437.4); short protein forms A11057V, A11984V, A13625V, A4560V, A4685V, A4752V.
Identifiers: ClinVar variation 1199693 (VCV001199693.3), dbSNP rs2154237123, ClinGen allele CA349662330.

ClinVar aggregate classification (germline): Uncertain significance (1 of 4 stars; one submission).

Submission:

GeneDx
Classification: Uncertain significance. Last evaluated: 2020-11-27. Review status: criteria provided, single submitter. Criteria: GeneDx Variant Classification Process June 2021. Collection method: clinical testing. Allele origin: germline. Affected: yes.
Comment: Has not been previously published as pathogenic or benign to our knowledge; Not observed in large population cohorts (Lek et al., 2016); In silico analysis, which includes splice predictors and evolutionary conservation, supports a deleterious effect; In-silico splice prediction analysis suggests that this variant may lead to aberrant gene splicing by creating a cryptic splice donor site upstream of the damaged donor site; however, in the absence of functional mRNA studies, the physiological consequence of this variant cannot be precisely determined; Located in one of the constitutive exons in the I-band region; studies suggest that truncating variants affecting constitutive exons throughout the TTN gene are significantly associated with DCM (Deo, 2016; Schafer et al., 2017)